The following is an entry in ClinVar:

NM_006265.3(RAD21):c.1161+5T>C

Gene: RAD21 (RAD21 cohesin complex component; minus strand). Cytogenetic location: 8q24.11.
Variant type: single nucleotide variant.
Coding change: c.1161+5T>C on transcript NM_006265.3 (MANE Select); 5 bases into the intron after coding-DNA position 1161, T replaced by C.
Molecular consequence: intron variant.
Genome position (GRCh38, 1-based): chr8:116,854,240, A>G on the plus strand (T>C on the coding strand, the complement: RAD21 is on the minus strand). VCF-style: chr8-116854240-A-G. GRCh37 (hg19) VCF-style: chr8-117866479-A-G.
Identifiers: ClinVar variation 3041081 (VCV003041081.18), dbSNP rs200852626, ClinGen allele CA4852912.

ClinVar aggregate classification (germline): Conflicting classifications of pathogenicity. Review status: criteria provided, conflicting classifications (1 of 4 stars). 3 submissions from 3 submitters: Uncertain significance (1); Likely benign (1). 1 of the submissions does not count toward it. Last evaluated 2025-01-28.

Conditions:
RAD21-related disorder. Also called: RAD21- Related disorders; RAD21-related condition.
Cornelia de Lange syndrome 4 (CDLS4). Also called: RAD21-Related Cornelia de Lange Syndrome; CORNELIA DE LANGE SYNDROME 4 WITH OR WITHOUT MIDLINE BRAIN DEFECTS. Identifiers: Orphanet 199, MedGen C3553517, MONDO:0013864, OMIM 614701.

Allele frequency attached by ClinVar (database versions not stated): TOPMed 0.00001; gnomAD 0.00002; gnomAD exomes 0.00002; ExAC 0.00003; ESP Exome Variant Server 0.00008; 1000 Genomes Project 30x 0.00016; 1000 Genomes Project 0.00020.
gnomAD v4.1: 37 of 1,600,948 alleles (0.0023%); highest among the groups gnomAD compares: Middle Eastern, 0.017%; no homozygotes.

Submissions (3):

Labcorp Genetics (formerly Invitae), Labcorp
Classification: Uncertain significance for Cornelia de Lange syndrome 4. Last evaluated: 2025-01-28. Review status: criteria provided, single submitter. Criteria: Invitae Variant Classification Sherloc (09022015). Collection method: clinical testing. Allele origin: germline.
Comment: This sequence change falls in intron 9 of the RAD21 gene. It does not directly change the encoded amino acid sequence of the RAD21 protein. It affects a nucleotide within the consensus splice site. This variant is present in population databases (rs200852626, gnomAD 0.006%). This variant has not been reported in the literature in individuals affected with RAD21-related conditions. ClinVar contains an entry for this variant (Variation ID: 3041081). Variants that disrupt the consensus splice site are a relatively common cause of aberrant splicing (PMID: 17576681, 9536098). Algorithms developed to predict the effect of sequence changes on RNA splicing suggest that this variant is not likely to affect RNA splicing. In summary, the available evidence is currently insufficient to determine the role of this variant in disease. Therefore, it has been classified as a Variant of Uncertain Significance.

CeGaT Center for Human Genetics Tuebingen
Classification: Likely benign. Last evaluated: 2024-09-01. Review status: criteria provided, single submitter. Criteria: CeGaT Center For Human Genetics Tuebingen Variant Classification Criteria Version 2. Collection method: clinical testing. Allele origin: germline. Affected: yes. Observed: 1 variant allele.
Comment: RAD21: BP4

PreventionGenetics, part of Exact Sciences
Classification: Likely benign for RAD21-related condition. Last evaluated: 2019-02-22. Review status: no assertion criteria provided. Collection method: clinical testing. Allele origin: germline. Not counted in ClinVar's aggregate classification.
Comment: This variant is classified as likely benign based on ACMG/AMP sequence variant interpretation guidelines (Richards et al. 2015 PMID: 25741868, with internal and published modifications).

Literature cited by the submitters: PubMed 17576681 (cited by Labcorp Genetics (formerly Invitae), Labcorp); PubMed 9536098 (cited by Labcorp Genetics (formerly Invitae), Labcorp).